The following is an entry in ClinVar:

ClinVar aggregate classification (germline): Likely benign. Review status: criteria provided, multiple submitters, no conflicts (2 of 4 stars). 3 submissions from 3 submitters: Likely benign (3). Last evaluated 2026-08-26.

Conditions:
TBC1D8B-related disorder. Also called: TBC1D8B-related condition.

Allele frequency attached by ClinVar (database versions not stated): gnomAD exomes below 0.00001; TOPMed below 0.00001.
gnomAD v4.1: 7 of 1,209,711 alleles (0.00058%); highest among the groups gnomAD compares: East Asian, 0.0059%; no homozygotes.

Submissions (3):

PreventionGenetics, part of Exact Sciences
Classification: Likely benign for TBC1D8B-related condition. Last evaluated: 2026-08-26. Review status: criteria provided, single submitter. Criteria: ACMG Guidelines, 2015. Collection method: clinical testing. Allele origin: germline.
Comment: This variant is classified as likely benign based on ACMG/AMP sequence variant interpretation guidelines (Richards et al. 2015 PMID: 25741868, with internal and published modifications).

Blueprint Genetics
Classification: Likely benign. Last evaluated: 2024-05-06. Review status: criteria provided, single submitter. Criteria: ACMG Guidelines, 2015. Collection method: clinical testing. Allele origin: germline.

CeGaT Center for Human Genetics Tuebingen
Classification: Likely benign. Last evaluated: 2022-11-01. Review status: criteria provided, single submitter. Criteria: CeGaT Center For Human Genetics Tuebingen Variant Classification Criteria Version 2. Collection method: clinical testing. Allele origin: germline. Affected: yes. Observed: 1 variant allele.
Comment: TBC1D8B: PM2:Supporting, BP4, BP7

NM_017752.3(TBC1D8B):c.99C>T (p.Gly33=)

Gene: TBC1D8B (TBC1 domain family member 8B; plus strand). Cytogenetic location: Xq22.3.
Variant type: single nucleotide variant.
Coding change: c.99C>T on transcript NM_017752.3 (MANE Select); coding-DNA position 99, C replaced by T.
Protein change: p.Gly33=; no amino-acid change (glycine 33 retained).
Molecular consequence: synonymous variant.
Genome position (GRCh38, 1-based): chrX:106,802,952, C>T. VCF-style: chrX-106802952-C-T. GRCh37 (hg19) VCF-style: chrX-106046182-C-T.
Other names: c.99C>T (NM_017752.2); c.99C>T, p.Gly33= (NM_198881.2).
Identifiers: ClinVar variation 2661140 (VCV002661140.26), dbSNP rs1931072814, ClinGen allele CA517917105.